The following is an entry in ClinVar:

ClinVar aggregate classification (germline): Likely benign. Review status: criteria provided, single submitter (1 of 4 stars). 2 submissions from 2 submitters: Likely benign (1). 1 of the submissions does not count toward it. Last evaluated 2025-11-17.

Conditions:
PACS2-related disorder. Also called: PACS2-related condition.

Allele frequency attached by ClinVar (database versions not stated): TOPMed 0.00002; gnomAD 0.00003; ExAC 0.00034; 1000 Genomes Project 0.00040; 1000 Genomes Project 30x 0.00047.
gnomAD v4.1: 140 of 1,602,404 alleles (0.0087%); highest among the groups gnomAD compares: South Asian, 0.14%; 1 homozygote.

Submissions (2):

Labcorp Genetics (formerly Invitae), Labcorp
Classification: Likely benign. Last evaluated: 2025-11-17. Review status: criteria provided, single submitter. Criteria: Invitae Variant Classification Sherloc (09022015). Collection method: clinical testing. Allele origin: germline.

PreventionGenetics, part of Exact Sciences
Classification: Likely benign for PACS2-related condition. Last evaluated: 2022-02-10. Review status: no assertion criteria provided. Collection method: clinical testing. Allele origin: germline. Not counted in ClinVar's aggregate classification.
Comment: This variant is classified as likely benign based on ACMG/AMP sequence variant interpretation guidelines (Richards et al. 2015 PMID: 25741868, with internal and published modifications).

NM_001100913.3(PACS2):c.2200G>T (p.Ala734Ser)

Gene: PACS2 (phosphofurin acidic cluster sorting protein 2; plus strand). Cytogenetic location: 14q32.33.
Variant type: single nucleotide variant.
Coding change: c.2200G>T on transcript NM_001100913.3 (MANE Select); coding-DNA position 2200, G replaced by T.
Protein change: p.Ala734Ser; replaces alanine 734 with serine.
Molecular consequence: missense variant.
Genome position (GRCh38, 1-based): chr14:105,391,711, G>T. VCF-style: chr14-105391711-G-T. GRCh37 (hg19) VCF-style: chr14-105858048-G-T.
Other names: c.1930G>T, p.Ala644Ser (NM_001243127.3); c.2155G>T, p.Ala719Ser (NM_015197.4); c.2200G>T (NM_001100913.2); short protein forms A644S, A719S, A734S.
Identifiers: ClinVar variation 1596715 (VCV001596715.10), dbSNP rs587624621, ClinGen allele CA7389192.